The following is an entry in ClinVar:

NM_003482.4(KMT2D):c.5849C>T (p.Ser1950Phe)

Gene: KMT2D (lysine methyltransferase 2D; minus strand). Cytogenetic location: 12q13.12.
Variant type: single nucleotide variant.
Coding change: c.5849C>T on transcript NM_003482.4 (MANE Select); coding-DNA position 5849, C replaced by T.
Protein change: p.Ser1950Phe; replaces serine 1950 with phenylalanine.
Molecular consequence: missense variant.
Genome position (GRCh38, 1-based): chr12:49,042,579, G>A on the plus strand (C>T on the coding strand, the complement: KMT2D is on the minus strand). VCF-style: chr12-49042579-G-A. GRCh37 (hg19) VCF-style: chr12-49436362-G-A.
Other names: short protein forms S1950F.
Identifiers: ClinVar variation 1700775 (VCV001700775.2), dbSNP rs1943592771, ClinGen allele CA384628016.

ClinVar aggregate classification (germline): Uncertain significance (1 of 4 stars; one submission).

Allele frequency attached by ClinVar (database versions not stated): gnomAD exomes below 0.00001.
gnomAD v4.1: 1 of 1,613,822 alleles (0.000062%); highest among the groups gnomAD compares: Non-Finnish European, 0.000085%; no homozygotes.

Submission:

GeneDx
Classification: Uncertain significance. Last evaluated: 2022-02-10. Review status: criteria provided, single submitter. Criteria: GeneDx Variant Classification Process June 2021. Collection method: clinical testing. Allele origin: germline. Affected: yes.
Comment: Not observed at significant frequency in large population cohorts (gnomAD); In silico analysis supports that this missense variant has a deleterious effect on protein structure/function; Has not been previously published as pathogenic or benign to our knowledge